The following is an entry in ClinVar:

NM_000179.3(MSH6):c.1991C>A (p.Ser664Ter)

Gene: MSH6 (mutS homolog 6; plus strand). Cytogenetic location: 2p16.3.
Variant type: single nucleotide variant.
Coding change: c.1991C>A on transcript NM_000179.3 (MANE Select); coding-DNA position 1991, C replaced by A.
Protein change: p.Ser664Ter; replaces serine 664 with a stop codon.
Molecular consequence: nonsense.
Genome position (GRCh38, 1-based): chr2:47,799,974, C>A. VCF-style: chr2-47799974-C-A. GRCh37 (hg19) VCF-style: chr2-48027113-C-A.
Other names: c.1601C>A, p.Ser534Ter (NM_001281492.2); c.1085C>A, p.Ser362Ter (NM_001281493.2, NM_001281494.2); short protein forms S362*, S534*, S664*.
Identifiers: ClinVar variation 1333892 (VCV001333892.4), dbSNP rs1553413355, ClinGen allele CA346750648.

ClinVar aggregate classification (germline): Pathogenic/Likely pathogenic. Review status: criteria provided, multiple submitters, no conflicts (2 of 4 stars). 2 submissions from 2 submitters: Pathogenic (1); Likely pathogenic (1). Last evaluated 2025-09-03.

Conditions:
Hereditary cancer-predisposing syndrome. Also called: Tumor predisposition; Hereditary Cancer Syndrome; Neoplastic Syndromes, Hereditary; Hereditary neoplastic syndrome. Identifiers: Orphanet 140162, MedGen C0027672, MeSH D009386, MONDO:0015356.
Endometrial carcinoma. Also called: Endometrial carcinoma, somatic. Identifiers: MedGen C0476089, MONDO:0002447, OMIM 608089, HP:0012114.

Submissions (2):

Ambry Genetics
Classification: Pathogenic for Hereditary cancer-predisposing syndrome. Last evaluated: 2025-09-03. Review status: criteria provided, single submitter. Criteria: Ambry Variant Classification Scheme 2023. Collection method: clinical testing. Allele origin: germline.
Comment: The p.S664* pathogenic mutation (also known as c.1991C>A), located in coding exon 4 of the MSH6 gene, results from a C to A substitution at nucleotide position 1991. This changes the amino acid from a serine to a stop codon within coding exon 4. This variant is considered to be rare based on population cohorts in the Genome Aggregation Database (gnomAD). This alteration is expected to result in loss of function by premature protein truncation or nonsense-mediated mRNA decay. As such, this alteration is interpreted as a disease-causing mutation.

CENTOGENE GmbH and LLC - Guiding Precision Medicine
Classification: Likely pathogenic for Endometrial carcinoma. Last evaluated: 2021-02-12. Review status: criteria provided, single submitter. Criteria: ACMG Guidelines, 2015. Collection method: clinical testing. Allele origin: somatic. Affected: yes.